The following is an entry in ClinVar:

NM_001126108.2(SLC12A3):c.1565T>A (p.Ile522Asn)

Gene: SLC12A3 (solute carrier family 12 member 3; plus strand). Cytogenetic location: 16q13.
Variant type: single nucleotide variant.
Coding change: c.1565T>A on transcript NM_001126108.2 (MANE Select); coding-DNA position 1565, T replaced by A.
Protein change: p.Ile522Asn; replaces isoleucine 522 with asparagine.
Molecular consequence: missense variant.
Genome position (GRCh38, 1-based): chr16:56,880,251, T>A. VCF-style: chr16-56880251-T-A. GRCh37 (hg19) VCF-style: chr16-56914163-T-A.
Other names: c.1565T>A, p.Ile522Asn (NM_000339.3); c.1562T>A, p.Ile521Asn (NM_001126107.2); c.1565T>A (NM_000339.2); short protein forms I522N, I521N.
Identifiers: ClinVar variation 1504114 (VCV001504114.7), dbSNP rs1254584108, ClinGen allele CA395988408.
Genomic context (GRCh38, chr16:56,880,251, plus strand): 5'-ACAAGGAGCCCGTGCGTGGCTACCTGCTGGCCTACGCCATCGCTGTGGCCTTCATCATCA[T>A]CGGTAAGGCTCTGCCAGGGCTCACAGGGCCTGGCCTCCTGTTCCCCTGGCCGGCCATGAG-3'
Protein context (NP_001119580.2, residues 512-532): AYAIAVAFII[Ile522Asn]AELNTIAPII

ClinVar aggregate classification (germline): Uncertain significance. Review status: criteria provided, multiple submitters, no conflicts (2 of 4 stars). 2 submissions from 2 submitters: Uncertain significance (2). Last evaluated 2023-03-24.

Conditions:
Inborn genetic diseases. Identifiers: MedGen C0950123, MeSH D030342.

Allele frequency attached by ClinVar (database versions not stated): gnomAD 0.00001; gnomAD exomes 0.00001; TOPMed 0.00002.
gnomAD v4.1: 7 of 1,577,924 alleles (0.00044%); highest among the groups gnomAD compares: African/African-American, 0.0013%; no homozygotes.

Submissions (2):

Ambry Genetics
Classification: Uncertain significance for Inborn genetic diseases. Last evaluated: 2023-03-24. Review status: criteria provided, single submitter. Criteria: Ambry Variant Classification Scheme 2023. Collection method: clinical testing. Allele origin: germline.

Labcorp Genetics (formerly Invitae), Labcorp
Classification: Uncertain significance. Last evaluated: 2022-06-01. Review status: criteria provided, single submitter. Criteria: Invitae Variant Classification Sherloc (09022015). Collection method: clinical testing. Allele origin: germline.
Comment: This sequence change replaces isoleucine, which is neutral and non-polar, with asparagine, which is neutral and polar, at codon 522 of the SLC12A3 protein (p.Ile522Asn). This variant is not present in population databases (gnomAD no frequency). This variant has not been reported in the literature in individuals affected with SLC12A3-related conditions. ClinVar contains an entry for this variant (Variation ID: 1504114). Algorithms developed to predict the effect of missense changes on protein structure and function are either unavailable or do not agree on the potential impact of this missense change (SIFT: "Deleterious"; PolyPhen-2: "Probably Damaging"; Align-GVGD: "Class C0"). In summary, the available evidence is currently insufficient to determine the role of this variant in disease. Therefore, it has been classified as a Variant of Uncertain Significance.